The following is an entry in ClinVar:

ClinVar aggregate classification (germline): Uncertain significance. Review status: reviewed by expert panel (3 of 4 stars). 2 submissions from 2 submitters: Uncertain significance (1). 1 of the submissions does not count toward it. Last evaluated 2025-08-01.

Conditions:
Malignant hyperthermia, susceptibility to, 1 (MHS1). Also called: Anesthesia related hyperthermia; Malignant hyperpyrexia; Fulminating hyperpyrexia; Pharmacogenic myopathy; RYR1-Related Malignant Hyperthermia Susceptibility; Malignant hyperthermia suceptibility 1. Identifiers: Orphanet 423, MedGen C2930980, MONDO:0007783, OMIM 145600.

Submissions (2):

ClinGen Malignant Hyperthermia Susceptibility Variant Curation Expert Panel, ClinGen
Classification: Uncertain significance for Malignant hyperthermia, susceptibility to, 1. Last evaluated: 2025-08-01. Review status: reviewed by expert panel. Criteria: ClinGen MHS ACMG Specifications V2. Collection method: curation. Allele origin: germline. Inheritance: Autosomal dominant inheritance.
Comment: This pathogenicity assessment is relevant only for malignant hyperthermia susceptibility (MHS) inherited in an autosomal dominant pattern. Variants in RYR1 can also cause other myopathies inherited in an autosomal dominant pattern or in an autosomal recessive pattern. Some of these disorders may predispose individuals to malignant hyperthermia. RYR1 variants may also contribute to a malignant hyperthermia reaction in combination with other genetic and non-genetic factors and the clinician needs to consider such factors in making management decisions. This sequence variant predicts a substitution of histidine with asparagine at codon 382 of the RYR1 protein, p.(His382Asn). This variant was not present in a large population database (gnomAD) at the time this variant was interpreted. This variant has been reported in an individual with a personal or family history of an MH episode and a positive in vitro contracture test (IVCT) or caffeine halothane contracture test (CHCT) result (if the proband was unavailable for testing, a positive diagnostic test result in a mutation-positive relative was counted), PS4_Supporting (PMID:19346234). This variant segregates with MHS in two individuals, PP1 not implemented ( PMID: 19346234). An ex vivo assay in lymphoblasts from a single patient showed an increased sensitivity to RYR1 agonists but this does not meet the criteria for PS3. This variant resides in a region of RYR1 considered to be a hotspot for pathogenic variants that contribute to MHS, PM1 (PMID: 21118704). A REVEL score of 0.739 supports neither a pathogenic nor a benign status for this variant. This variant has been classified as a Variant of Unknown Significance. Criteria implemented: PS4_Supporting, PM1.

Clinical Genetics Laboratory, Skane University Hospital Lund
Classification: Uncertain significance for Malignant hyperthermia, susceptibility to, 1. Last evaluated: 2026-05-08. Review status: criteria provided, single submitter. Criteria: ACMG Guidelines, 2015. Collection method: clinical testing. Allele origin: germline. Affected: yes. Not counted in ClinVar's aggregate classification.
Comment: Classified according to the ClinGen Malignant Hyperthermia Susceptibility Expert Panel Specifications to the ACMG/AMP Variant Interpretation Guidelines for RYR1 Version 2.0.0: PS4_supporting, PM1

NM_000540.3(RYR1):c.1144C>A (p.His382Asn)

Gene: RYR1 (ryanodine receptor 1; plus strand). Cytogenetic location: 19q13.2.
Variant type: single nucleotide variant.
Coding change: c.1144C>A on transcript NM_000540.3 (MANE Select); coding-DNA position 1144, C replaced by A.
Protein change: p.His382Asn; replaces histidine 382 with asparagine.
Molecular consequence: missense variant.
Genome position (GRCh38, 1-based): chr19:38,451,785, C>A. VCF-style: chr19-38451785-C-A. GRCh37 (hg19) VCF-style: chr19-38942425-C-A.
Other names: c.1144C>A, p.His382Asn (NM_001042723.2); short protein forms H382N.
Identifiers: ClinVar variation 1210303 (VCV001210303.4), dbSNP rs2145374470, ClinGen allele CA405683571.
Genomic context (GRCh38, chr19:38,451,785, plus strand): 5'-GGCTGGGCCCACTCCAGACCTCTGTCTCCCCACTCCTAGGCCATGCTGCACCAGGAGGGC[C>A]ACATGGACGACGCACTGTCGCTGACCCGCTGCCAGCAGGAGGAGTCCCAGGCCGCCCGCA-3'
Protein context (NP_000531.2, residues 372-392): KKKAMLHQEG[His382Asn]MDDALSLTRC